The following is an entry in ClinVar:

ClinVar aggregate classification (germline): Pathogenic (1 of 4 stars; one submission).

Submission:

GeneDx
Classification: Pathogenic. Last evaluated: 2024-05-16. Review status: criteria provided, single submitter. Criteria: GeneDx Variant Classification Process June 2021. Collection method: clinical testing. Allele origin: germline. Affected: yes.
Comment: Nonsense variant predicted to result in protein truncation or nonsense mediated decay in a gene for which loss of function is a known mechanism of disease; Not observed at significant frequency in large population cohorts (gnomAD); This variant is associated with the following publications: (PMID: 25525159, 11457640)

NM_000264.5(PTCH1):c.279C>A (p.Tyr93Ter)

Gene: PTCH1 (patched 1; minus strand). Cytogenetic location: 9q22.32.
Variant type: single nucleotide variant.
Coding change: c.279C>A on transcript NM_000264.5 (MANE Select); coding-DNA position 279, C replaced by A.
Protein change: p.Tyr93Ter; replaces tyrosine 93 with a stop codon.
Molecular consequence: nonsense. On other transcripts: 5 prime UTR variant (4), non-coding transcript variant (1).
Genome position (GRCh38, 1-based): chr9:95,506,522, G>T on the plus strand (C>A on the coding strand, the complement: PTCH1 is on the minus strand). VCF-style: chr9-95506522-G-T. GRCh37 (hg19) VCF-style: chr9-98268804-G-T.
Other names: c.81C>A, p.Tyr27Ter (NM_001083602.3, NM_001354919.2); c.276C>A, p.Tyr92Ter (NM_001083603.3); c.-175C>A (NM_001083604.3, NM_001083605.3, NM_001083606.3 and 1 more transcripts); c.279C>A, p.Tyr93Ter (NM_001354918.2); short protein forms Y27*, Y92*, Y93*.
Identifiers: ClinVar variation 3377994 (VCV003377994.1).